The following is an entry in ClinVar:

ClinVar aggregate classification (germline): Pathogenic (0 of 4 stars; one submission).

Conditions:
Bietti crystalline corneoretinal dystrophy (BCD). Also called: Bietti Crystalline Dystrophy; BIETTI TAPETORETINAL DEGENERATION WITH MARGINAL CORNEAL DYSTROPHY. Identifiers: Orphanet 41751, MedGen C1859486, MONDO:0008865, OMIM 210370.

Submission:

GeneReviews
Classification: Pathogenic for Bietti Crystalline Dystrophy. Last evaluated: 2012-04-12. Review status: no assertion criteria provided. Collection method: curation. Allele origin: unknown.
ClinVar note: Converted during submission from pathologic to Pathogenic.

NM_207352.4(CYP4V2):c.1157A>C (p.Lys386Thr)

Gene: CYP4V2 (cytochrome P450 family 4 subfamily V member 2; plus strand). Cytogenetic location: 4q35.2.
Variant type: single nucleotide variant.
Coding change: c.1157A>C on transcript NM_207352.4 (MANE Select); coding-DNA position 1157, A replaced by C.
Protein change: p.Lys386Thr; replaces lysine 386 with threonine.
Molecular consequence: missense variant.
Genome position (GRCh38, 1-based): chr4:186,208,931, A>C. VCF-style: chr4-186208931-A-C. GRCh37 (hg19) VCF-style: chr4-187130085-A-C.
Other names: c.1461K>T; short protein forms K386T.
Identifiers: ClinVar variation 39250 (VCV000039250.3), dbSNP rs199476200, ClinGen allele CA343706.
Genomic context (GRCh38, chr4:186,208,931, plus strand): 5'-CTGACCGTCCCGCTACAGTAGAAGACCTGAAGAAACTTCGGTATCTGGAATGTGTTATTA[A>C]GGAGACCCTTCGCCTTTTTCCTTCTGTTCCTTTATTTGCCCGTAGTGTTAGTGAAGATTG-3'
Protein context (NP_997235.3, residues 376-396): KKLRYLECVI[Lys386Thr]ETLRLFPSVP